The following is an entry in ClinVar:

ClinVar aggregate classification (germline): Uncertain significance (1 of 4 stars; one submission).

Submission:

CeGaT Center for Human Genetics Tuebingen
Classification: Uncertain significance. Last evaluated: 2023-12-01. Review status: criteria provided, single submitter. Criteria: CeGaT Center For Human Genetics Tuebingen Variant Classification Criteria Version 2. Collection method: clinical testing. Allele origin: germline. Affected: yes. Observed: 1 variant allele.
Comment: SYNE1: PM2

NM_182961.4(SYNE1):c.23864A>G (p.His7955Arg)

Gene: SYNE1 (spectrin repeat containing nuclear envelope protein 1; minus strand). Cytogenetic location: 6q25.2.
Variant type: single nucleotide variant.
Coding change: c.23864A>G on transcript NM_182961.4 (MANE Select); coding-DNA position 23864, A replaced by G.
Protein change: p.His7955Arg; replaces histidine 7955 with arginine.
Molecular consequence: missense variant.
Genome position (GRCh38, 1-based): chr6:152,156,024, T>C on the plus strand (A>G on the coding strand, the complement: SYNE1 is on the minus strand). VCF-style: chr6-152156024-T-C. GRCh37 (hg19) VCF-style: chr6-152477159-T-C.
Other names: c.470A>G, p.His157Arg (NM_001347701.2); c.329A>G, p.His110Arg (NM_001347702.2); c.23651A>G, p.His7884Arg (NM_033071.5); short protein forms H110R, H157R, H7884R, H7955R.
Identifiers: ClinVar variation 3026588 (VCV003026588.22), dbSNP rs2061318838, ClinGen allele CA366088244.